The following is an entry in ClinVar:

ClinVar aggregate classification (germline): Uncertain significance (1 of 4 stars; one submission).

Conditions:
DYRK1A-related intellectual disability syndrome (MRD7). Also called: Intellectual developmental disorder, autosomal dominant 7; DYRK1A Syndrome. Identifiers: Orphanet 464306, MedGen C5568143, MONDO:0013578, OMIM 614104.

Allele frequency attached by ClinVar (database versions not stated): gnomAD exomes below 0.00001; ExAC 0.00001; gnomAD 0.00001.

Submission:

Labcorp Genetics (formerly Invitae), Labcorp
Classification: Uncertain significance for DYRK1A-related intellectual disability syndrome. Last evaluated: 2024-11-05. Review status: criteria provided, single submitter. Criteria: Invitae Variant Classification Sherloc (09022015). Collection method: clinical testing. Allele origin: germline.
Comment: This sequence change replaces arginine, which is basic and polar, with histidine, which is basic and polar, at codon 158 of the DYRK1A protein (p.Arg158His). The frequency data for this variant in the population databases is considered unreliable, as metrics indicate poor data quality at this position in the gnomAD database. This variant has not been reported in the literature in individuals affected with DYRK1A-related conditions. ClinVar contains an entry for this variant (Variation ID: 1008359). Invitae Evidence Modeling of protein sequence and biophysical properties (such as structural, functional, and spatial information, amino acid conservation, physicochemical variation, residue mobility, and thermodynamic stability) indicates that this missense variant is expected to disrupt DYRK1A protein function with a positive predictive value of 80%. Experimental studies have shown that this missense change does not substantially affect DYRK1A function (PMID: 34345024). In summary, the available evidence is currently insufficient to determine the role of this variant in disease. Therefore, it has been classified as a Variant of Uncertain Significance.

Literature cited by the submitters: PubMed 34345024.

NM_001347721.2(DYRK1A):c.446G>A (p.Arg149His)

Gene: DYRK1A (dual specificity tyrosine phosphorylation regulated kinase 1A; plus strand). Cytogenetic location: 21q22.13.
Variant type: single nucleotide variant.
Coding change: c.446G>A on transcript NM_001347721.2 (MANE Select); coding-DNA position 446, G replaced by A.
Protein change: p.Arg149His; replaces arginine 149 with histidine.
Molecular consequence: missense variant.
Genome position (GRCh38, 1-based): chr21:37,480,783, G>A. VCF-style: chr21-37480783-G-A. GRCh37 (hg19) VCF-style: chr21-38853085-G-A.
Other names: c.446G>A, p.Arg149His (NM_001347722.2, NM_130436.2); c.359G>A, p.Arg120His (NM_001347723.2); c.473G>A, p.Arg158His (NM_001396.5, NM_101395.2, NM_130438.2); short protein forms R120H, R149H, R158H.
Identifiers: ClinVar variation 1008359 (VCV001008359.6), dbSNP rs756654282, ClinGen allele CA10023790.